The following is an entry in ClinVar:

ClinVar aggregate classification (germline): Likely benign. Review status: criteria provided, multiple submitters, no conflicts (2 of 4 stars). 3 submissions from 3 submitters: Likely benign (3). Last evaluated 2025-10-20.

Conditions:
Early-infantile DEE. Also called: Ohtahara syndrome; Early infantile epileptic encephalopathy; Early infantile epileptic encephalopathy with suppression bursts. Identifiers: Orphanet 1934, MedGen C0393706, MONDO:0800491.
Inborn genetic diseases. Identifiers: MedGen C0950123, MeSH D030342.

Allele frequency attached by ClinVar (database versions not stated): gnomAD exomes 0.00001; ExAC 0.00002.
gnomAD v4.1: 3 of 1,613,562 alleles (0.00019%); highest among the groups gnomAD compares: Admixed American, 0.005%; no homozygotes.

Submissions (3):

Labcorp Genetics (formerly Invitae), Labcorp
Classification: Likely benign for Early-infantile DEE. Last evaluated: 2025-10-20. Review status: criteria provided, single submitter. Criteria: Invitae Variant Classification Sherloc (09022015). Collection method: clinical testing. Allele origin: germline.

GeneDx
Classification: Likely benign. Last evaluated: 2017-08-17. Review status: criteria provided, single submitter. Criteria: GeneDx Variant Classification (06012015). Collection method: clinical testing. Allele origin: germline. Affected: yes.
Comment: This variant is considered likely benign or benign based on one or more of the following criteria: it is a conservative change, it occurs at a poorly conserved position in the protein, it is predicted to be benign by multiple in silico algorithms, and/or has population frequency not consistent with disease.

Ambry Genetics
Classification: Likely benign for Inborn genetic diseases. Last evaluated: 2016-09-16. Review status: criteria provided, single submitter. Criteria: Ambry Variant Classification Scheme 2023. Collection method: clinical testing. Allele origin: germline.

NM_001330260.2(SCN8A):c.579A>G (p.Pro193=)

Gene: SCN8A (sodium voltage-gated channel alpha subunit 8; plus strand). Cytogenetic location: 12q13.13.
Variant type: single nucleotide variant.
Coding change: c.579A>G on transcript NM_001330260.2 (MANE Select); coding-DNA position 579, A replaced by G.
Protein change: p.Pro193=; no amino-acid change (proline 193 retained).
Molecular consequence: synonymous variant.
Genome position (GRCh38, 1-based): chr12:51,687,184, A>G. VCF-style: chr12-51687184-A-G. GRCh37 (hg19) VCF-style: chr12-52080968-A-G.
Other names: c.579A>G, p.Pro193= (NM_001177984.3, NM_001369788.1, NM_014191.4).
Identifiers: ClinVar variation 511512 (VCV000511512.11), dbSNP rs755900174, ClinGen allele CA6571082.